The following is an entry in ClinVar:

ClinVar aggregate classification (germline): Uncertain significance (1 of 4 stars; one submission).

Allele frequency attached by ClinVar (database versions not stated): ExAC 0.00001; gnomAD exomes 0.00001.
gnomAD v4.1: 9 of 1,614,152 alleles (0.00056%); highest among the groups gnomAD compares: Admixed American, 0.0017%; no homozygotes.

Submission:

Labcorp Genetics (formerly Invitae), Labcorp
Classification: Uncertain significance. Last evaluated: 2023-06-25. Review status: criteria provided, single submitter. Criteria: Invitae Variant Classification Sherloc (09022015). Collection method: clinical testing. Allele origin: germline.
Comment: In summary, the available evidence is currently insufficient to determine the role of this variant in disease. Therefore, it has been classified as a Variant of Uncertain Significance. An algorithm developed to predict the effect of missense changes on protein structure and function (PolyPhen-2) suggests that this variant is likely to be disruptive. This variant has not been reported in the literature in individuals affected with CDH2-related conditions. This variant is present in population databases (rs750531758, gnomAD 0.003%). This sequence change replaces asparagine, which is neutral and polar, with serine, which is neutral and polar, at codon 376 of the CDH2 protein (p.Asn376Ser).

NM_001792.5(CDH2):c.1127A>G (p.Asn376Ser)

Gene: CDH2 (cadherin 2; minus strand). Cytogenetic location: 18q12.1.
Variant type: single nucleotide variant.
Coding change: c.1127A>G on transcript NM_001792.5 (MANE Select); coding-DNA position 1127, A replaced by G.
Protein change: p.Asn376Ser; replaces asparagine 376 with serine.
Molecular consequence: missense variant.
Genome position (GRCh38, 1-based): chr18:27,993,531, T>C on the plus strand (A>G on the coding strand, the complement: CDH2 is on the minus strand). VCF-style: chr18-27993531-T-C. GRCh37 (hg19) VCF-style: chr18-25573495-T-C.
Other names: c.1034A>G, p.Asn345Ser (NM_001308176.2); short protein forms N345S, N376S.
Identifiers: ClinVar variation 2855816 (VCV002855816.3), dbSNP rs750531758, ClinGen allele CA8923514.